The following is an entry in ClinVar:

NM_021625.5(TRPV4):c.2209-4G>A

Gene: TRPV4 (transient receptor potential cation channel subfamily V member 4; minus strand). Cytogenetic location: 12q24.11.
Variant type: single nucleotide variant.
Coding change: c.2209-4G>A on transcript NM_021625.5 (MANE Select); 4 bases into the intron before coding-DNA position 2209, G replaced by A.
Molecular consequence: intron variant.
Genome position (GRCh38, 1-based): chr12:109,786,841, C>T on the plus strand (G>A on the coding strand, the complement: TRPV4 is on the minus strand). VCF-style: chr12-109786841-C-T. GRCh37 (hg19) VCF-style: chr12-110224646-C-T.
Other names: c.2068-4G>A (NM_001177428.1); c.2029-4G>A (NM_147204.2); c.2107-4G>A (NM_001177431.1); c.1888-4G>A (NM_001177433.1).
Identifiers: ClinVar variation 1787727 (VCV001787727.2), dbSNP rs762947389, ClinGen allele CA6779985.

ClinVar aggregate classification (germline): Uncertain significance (1 of 4 stars; one submission).

Conditions:
Inborn genetic diseases. Identifiers: MedGen C0950123, MeSH D030342.

Allele frequency attached by ClinVar (database versions not stated): ExAC 0.00002; TOPMed 0.00001; gnomAD 0.00001.
gnomAD v4.1: 10 of 1,613,422 alleles (0.00062%); highest among the groups gnomAD compares: African/African-American, 0.0013%; no homozygotes.

Submission:

Ambry Genetics
Classification: Uncertain significance for Inborn genetic diseases. Last evaluated: 2021-01-13. Review status: criteria provided, single submitter. Criteria: Ambry Variant Classification Scheme 2023. Collection method: clinical testing. Allele origin: germline.
Comment: The c.2209-4G>A intronic variant results from a G to A substitution 4 nucleotides upstream from coding exon 13 in the TRPV4 gene. This nucleotide position is not well conserved in available vertebrate species. In silico splice site analysis predicts that this alteration will not have any significant effect on splicing. Since supporting evidence is limited at this time, the clinical significance of this alteration remains unclear.